The following is an entry in ClinVar:

NM_003907.3(EIF2B5):c.1000del (p.Ser334fs)

Gene: EIF2B5 (eukaryotic translation initiation factor 2B subunit epsilon; plus strand). Cytogenetic location: 3q27.1.
Variant type: Deletion.
Coding change: c.1000del on transcript NM_003907.3 (MANE Select); coding-DNA position 1000, one base deleted (A; older notation c.1000delA).
Protein change: p.Ser334fs; shifts the reading frame from serine 334.
Molecular consequence: frameshift variant.
Genome position (GRCh38, 1-based): chr3:184,140,574, A deleted. VCF-style (leftmost placement, unchanged base first): chr3-184140573-GA-G. GRCh37 (hg19) VCF-style: chr3-183858361-GA-G.
Other names: short protein forms S334fs.
Identifiers: ClinVar variation 2890104 (VCV002890104.3), dbSNP rs2473666139, ClinGen allele CA2739277953.
Genomic context (GRCh38, chr3:184,140,573, plus strand): 5'-CATCCGCCGATGGGTCTACCCTCTCACCCCAGAGGCGAACTTCACTGACAGCACCACCCA[GA>G]GCTGCACTCATTCCCGGCACAACATCTACCGAGGGCCTGAGGTCAGCCTGGGCCATGGCA-3'

ClinVar aggregate classification (germline): Pathogenic (1 of 4 stars; one submission).

Submission:

Labcorp Genetics (formerly Invitae), Labcorp
Classification: Pathogenic. Last evaluated: 2023-01-20. Review status: criteria provided, single submitter. Criteria: Invitae Variant Classification Sherloc (09022015). Collection method: clinical testing. Allele origin: germline.
Comment: For these reasons, this variant has been classified as Pathogenic. This variant has not been reported in the literature in individuals affected with EIF2B5-related conditions. This variant is not present in population databases (gnomAD no frequency). This sequence change creates a premature translational stop signal (p.Ser334Alafs*23) in the EIF2B5 gene. It is expected to result in an absent or disrupted protein product. Loss-of-function variants in EIF2B5 are known to be pathogenic (PMID: 11704758, 15060152, 21307862).

Literature cited by the submitters: PubMed 11704758; PubMed 15060152; PubMed 21307862.